The following is an entry in ClinVar:

NM_001905.4(CTPS1):c.1734T>C (p.Ser578=)

Gene: CTPS1 (CTP synthase 1; plus strand). Cytogenetic location: 1p34.2.
Variant type: single nucleotide variant.
Coding change: c.1734T>C on transcript NM_001905.4 (MANE Select); coding-DNA position 1734, T replaced by C.
Protein change: p.Ser578=; no amino-acid change (serine 578 retained).
Molecular consequence: synonymous variant. On other transcripts: non-coding transcript variant (1).
Genome position (GRCh38, 1-based): chr1:41,010,203, T>C. VCF-style: chr1-41010203-T-C. GRCh37 (hg19) VCF-style: chr1-41475875-T-C.
Other names: c.1266T>C, p.Ser422= (NM_001301237.2).
Identifiers: ClinVar variation 1132840 (VCV001132840.14), dbSNP rs768984457, ClinGen allele CA795613.

ClinVar aggregate classification (germline): Likely benign. Review status: criteria provided, multiple submitters, no conflicts (2 of 4 stars). 4 submissions from 4 submitters: Likely benign (3). 1 of the submissions does not count toward it. Last evaluated 2026-01-13.

Conditions:
CTPS1-related disorder. Also called: CTPS1-related condition.
Combined immunodeficiency due to CTPS1 deficiency. Also called: Severe combined immunodeficiency due to CTPS1 deficiency; Immunodeficiency 24. Identifiers: Orphanet 420573, MedGen C4014617, MONDO:0014391, OMIM 615897.

Allele frequency attached by ClinVar (database versions not stated): ExAC 0.00001; gnomAD exomes 0.00001.
gnomAD v4.1: 27 of 1,614,070 alleles (0.0017%); highest among the groups gnomAD compares: Middle Eastern, 0.26%; no homozygotes.

Submissions (4):

Labcorp Genetics (formerly Invitae), Labcorp
Classification: Likely benign for Combined immunodeficiency due to CTPS1 deficiency. Last evaluated: 2026-01-13. Review status: criteria provided, single submitter. Criteria: Invitae Variant Classification Sherloc (09022015). Collection method: clinical testing. Allele origin: germline.

Genetic Services Laboratory, University of Chicago
Classification: Likely benign. Last evaluated: 2021-12-23. Review status: criteria provided, single submitter. Criteria: ACMG Guidelines, 2015. Collection method: clinical testing. Allele origin: germline. Affected: no.

Breakthrough Genomics
Classification: Likely benign. Review status: criteria provided, single submitter. Criteria: ACMG Guidelines, 2015. Collection method: not provided. Allele origin: germline. Inheritance: Autosomal recessive inheritance. Affected: yes.

PreventionGenetics, part of Exact Sciences
Classification: Likely benign for CTPS1-related condition. Last evaluated: 2024-03-27. Review status: no assertion criteria provided. Collection method: clinical testing. Allele origin: germline. Not counted in ClinVar's aggregate classification.
Comment: This variant is classified as likely benign based on ACMG/AMP sequence variant interpretation guidelines (Richards et al. 2015 PMID: 25741868, with internal and published modifications).